The following is an entry in ClinVar:

ClinVar aggregate classification (germline): Uncertain significance. Review status: criteria provided, multiple submitters, no conflicts (2 of 4 stars). 2 submissions from 2 submitters: Uncertain significance (2). Last evaluated 2024-09-30.

Conditions:
Inborn genetic diseases. Identifiers: MedGen C0950123, MeSH D030342.
Congenital myotonia, autosomal recessive form. Also called: BECKER DISEASE; Becker Generalized Myotonia; myotonia congenita, autosomal recessive. Identifiers: Orphanet 614, MedGen C0751360, MONDO:0009715, OMIM 255700.
Congenital myotonia, autosomal dominant form (THD). Also called: THOMSEN DISEASE; Myotonia congenita autosomal dominant. Identifiers: Orphanet 614, MedGen C2936781, MONDO:0008055, OMIM 160800.

Allele frequency attached by ClinVar (database versions not stated): gnomAD exomes below 0.00001; gnomAD 0.00001.
gnomAD v4.1: 3 of 1,614,014 alleles (0.00019%); highest among the groups gnomAD compares: African/African-American, 0.0027%; no homozygotes.

Submissions (2):

Ambry Genetics
Classification: Uncertain significance for Inborn genetic diseases. Last evaluated: 2024-09-30. Review status: criteria provided, single submitter. Criteria: Ambry Variant Classification Scheme 2023. Collection method: clinical testing. Allele origin: germline.

Labcorp Genetics (formerly Invitae), Labcorp
Classification: Uncertain significance for Congenital myotonia, autosomal recessive form; Congenital myotonia, autosomal dominant form. Last evaluated: 2022-08-21. Review status: criteria provided, single submitter. Criteria: Invitae Variant Classification Sherloc (09022015). Collection method: clinical testing. Allele origin: germline.
Comment: This sequence change replaces phenylalanine, which is neutral and non-polar, with leucine, which is neutral and non-polar, at codon 178 of the CLCN1 protein (p.Phe178Leu). This variant is present in population databases (no rsID available, gnomAD 0.004%). This variant has not been reported in the literature in individuals affected with CLCN1-related conditions. Advanced modeling of protein sequence and biophysical properties (such as structural, functional, and spatial information, amino acid conservation, physicochemical variation, residue mobility, and thermodynamic stability) performed at Invitae indicates that this missense variant is expected to disrupt CLCN1 protein function. In summary, the available evidence is currently insufficient to determine the role of this variant in disease. Therefore, it has been classified as a Variant of Uncertain Significance.

NM_000083.3(CLCN1):c.532T>C (p.Phe178Leu)

Gene: CLCN1 (chloride voltage-gated channel 1; plus strand). Cytogenetic location: 7q34.
Variant type: single nucleotide variant.
Coding change: c.532T>C on transcript NM_000083.3 (MANE Select); coding-DNA position 532, T replaced by C.
Protein change: p.Phe178Leu; replaces phenylalanine 178 with leucine.
Molecular consequence: missense variant. On other transcripts: non-coding transcript variant (1).
Genome position (GRCh38, 1-based): chr7:143,321,463, T>C. VCF-style: chr7-143321463-T-C. GRCh37 (hg19) VCF-style: chr7-143018556-T-C.
Other names: c.532T>C (NM_000083.2); short protein forms F178L.
Identifiers: ClinVar variation 2070373 (VCV002070373.2), dbSNP rs1306254920, ClinGen allele CA369683905.